The following is an entry in ClinVar:

NM_015705.6(SGSM3):c.1288G>C (p.Glu430Gln)

Gene: SGSM3 (small G protein signaling modulator 3; plus strand). Cytogenetic location: 22q13.1.
Variant type: single nucleotide variant.
Coding change: c.1288G>C on transcript NM_015705.6 (MANE Select); coding-DNA position 1288, G replaced by C.
Protein change: p.Glu430Gln; replaces glutamic acid 430 with glutamine.
Molecular consequence: missense variant. On other transcripts: non-coding transcript variant (4).
Genome position (GRCh38, 1-based): chr22:40,407,248, G>C. VCF-style: chr22-40407248-G-C. GRCh37 (hg19) VCF-style: chr22-40803252-G-C.
Other names: c.1099G>C, p.Glu367Gln (NM_001301849.2, NM_001350042.2, NM_001350044.2 and 1 more transcripts); c.1288G>C, p.Glu430Gln (NM_001350039.2, NM_001350040.2, NM_001350041.2); c.1087G>C, p.Glu363Gln (NM_001350043.2, NM_001350046.2, NM_001350047.2); c.790G>C, p.Glu264Gln (NM_001350048.2); c.1288G>C (NM_015705.4); short protein forms E264Q, E363Q, E367Q, E430Q.
Identifiers: ClinVar variation 3338213 (VCV003338213.3).

ClinVar aggregate classification (germline): Uncertain significance. Review status: criteria provided, single submitter (1 of 4 stars). 2 submissions from 2 submitters: Uncertain significance (1). 1 of the submissions does not count toward it. Last evaluated 2024-11-07.

Conditions:
Autism (AUTS). Also called: Autistic disorder of childhood onset; Autistic disorder. Identifiers: MedGen C0004352, MeSH D001321, MONDO:0005260, OMIM 209850, HP:0000717.

Submissions (2):

Ambry Genetics
Classification: Uncertain significance. Last evaluated: 2024-11-07. Review status: criteria provided, single submitter. Criteria: Ambry Variant Classification Scheme 2023. Collection method: clinical testing. Allele origin: germline.

Centre for Addiction & Mental Health
Classification: Uncertain significance for Autism. Review status: no assertion criteria provided. Collection method: research. Allele origin: biparental. Affected: yes. Observed: 1 homozygote. Segregation with disease observed. Not counted in ClinVar's aggregate classification.
Comment: Gene not previously associated with disease; independent supportng evidence needed